The following is an entry in ClinVar:

NM_007286.6(SYNPO):c.2071G>A (p.Gly691Ser)

Genes: SYNPO (synaptopodin; plus strand), LOC129995010 (ATAC-STARR-seq lymphoblastoid silent region 16515; plus strand). Cytogenetic location: 5q33.1.
Variant type: single nucleotide variant.
Coding change: c.2071G>A on transcript NM_007286.6 (MANE Select); coding-DNA position 2071, G replaced by A.
Protein change: p.Gly691Ser; replaces glycine 691 with serine.
Molecular consequence: missense variant.
Genome position (GRCh38, 1-based): chr5:150,656,446, G>A. VCF-style: chr5-150656446-G-A. GRCh37 (hg19) VCF-style: chr5-150036008-G-A.
Other names: short protein forms G691S.
Identifiers: ClinVar variation 2063314 (VCV002063314.4), dbSNP rs1223079545, ClinGen allele CA361770414.

ClinVar aggregate classification (germline): Uncertain significance (1 of 4 stars; one submission).

Allele frequency attached by ClinVar (database versions not stated): gnomAD 0.00001; TOPMed below 0.00001; gnomAD exomes below 0.00001.
gnomAD v4.1: 3 of 1,531,980 alleles (0.0002%); highest among the groups gnomAD compares: Non-Finnish European, 0.00026%; no homozygotes.

Submission:

Labcorp Genetics (formerly Invitae), Labcorp
Classification: Uncertain significance. Last evaluated: 2025-06-02. Review status: criteria provided, single submitter. Criteria: Invitae Variant Classification Sherloc (09022015). Collection method: clinical testing. Allele origin: germline.
Comment: This sequence change replaces glycine, which is neutral and non-polar, with serine, which is neutral and polar, at codon 691 of the SYNPO protein (p.Gly691Ser). This variant is not present in population databases (gnomAD no frequency). This variant has not been reported in the literature in individuals affected with SYNPO-related conditions. ClinVar contains an entry for this variant (Variation ID: 2063314). An algorithm developed to predict the effect of missense changes on protein structure and function (PolyPhen-2) suggests that this variant is likely to be tolerated. In summary, the available evidence is currently insufficient to determine the role of this variant in disease. Therefore, it has been classified as a Variant of Uncertain Significance.